The following is an entry in ClinVar:

ClinVar aggregate classification (germline): Likely pathogenic (1 of 4 stars; one submission).

Submission:

CeGaT Center for Human Genetics Tuebingen
Classification: Likely pathogenic. Last evaluated: 2026-02-01. Review status: criteria provided, single submitter. Criteria: CeGaT Center For Human Genetics Tuebingen Variant Classification Criteria Version 2. Collection method: clinical testing. Allele origin: germline. Affected: yes. Observed: 1 variant allele.
Comment: CHD4: PVS1:Strong, PM2

NM_001273.5(CHD4):c.2449C>T (p.Arg817Ter)

Gene: CHD4 (chromodomain helicase DNA binding protein 4; minus strand). Cytogenetic location: 12p13.31.
Variant type: single nucleotide variant.
Coding change: c.2449C>T on transcript NM_001273.5 (MANE Select); coding-DNA position 2449, C replaced by T.
Protein change: p.Arg817Ter; replaces arginine 817 with a stop codon.
Molecular consequence: nonsense.
Genome position (GRCh38, 1-based): chr12:6,593,481, G>A on the plus strand (C>T on the coding strand, the complement: CHD4 is on the minus strand). VCF-style: chr12-6593481-G-A. GRCh37 (hg19) VCF-style: chr12-6702647-G-A.
Other names: c.2428C>T, p.Arg810Ter (NM_001297553.2); c.2410C>T, p.Arg804Ter (NM_001363606.2); short protein forms R804*, R810*, R817*.
Identifiers: ClinVar variation 4822143 (VCV004822143.4).